The following is an entry in ClinVar:

ClinVar aggregate classification (germline): Uncertain significance (1 of 4 stars; one submission).

Conditions:
Paroxysmal nonkinesigenic dyskinesia. Also called: Paroxysmal non-kinesigenic dyskinesia. Identifiers: Orphanet 98810, MedGen C1869117, MONDO:0700088.

Submission:

Labcorp Genetics (formerly Invitae), Labcorp
Classification: Uncertain significance for Paroxysmal nonkinesigenic dyskinesia. Last evaluated: 2023-11-18. Review status: criteria provided, single submitter. Criteria: Invitae Variant Classification Sherloc (09022015). Collection method: clinical testing. Allele origin: germline.
Comment: This sequence change replaces glycine, which is neutral and non-polar, with aspartic acid, which is acidic and polar, at codon 302 of the PNKD protein (p.Gly302Asp). This variant is not present in population databases (gnomAD no frequency). This variant has not been reported in the literature in individuals affected with PNKD-related conditions. Advanced modeling of protein sequence and biophysical properties (such as structural, functional, and spatial information, amino acid conservation, physicochemical variation, residue mobility, and thermodynamic stability) performed at Invitae indicates that this missense variant is not expected to disrupt PNKD protein function with a negative predictive value of 80%. In summary, the available evidence is currently insufficient to determine the role of this variant in disease. Therefore, it has been classified as a Variant of Uncertain Significance.

NM_015488.5(PNKD):c.905G>A (p.Gly302Asp)

Genes: CATIP-AS2 (CATIP antisense RNA 2; minus strand), PNKD (PNKD metallo-beta-lactamase domain containing; plus strand). Cytogenetic location: 2q35.
Variant type: single nucleotide variant.
Coding change: c.905G>A on transcript NM_015488.5 (MANE Select); coding-DNA position 905, G replaced by A.
Protein change: p.Gly302Asp; replaces glycine 302 with aspartic acid.
Molecular consequence: missense variant.
Genome position (GRCh38, 1-based): chr2:218,344,491, G>A. VCF-style: chr2-218344491-G-A. GRCh37 (hg19) VCF-style: chr2-219209214-G-A.
Other names: c.833G>A, p.Gly278Asp (NM_022572.5); short protein forms G278D, G302D.
Identifiers: ClinVar variation 2877888 (VCV002877888.3), dbSNP rs2469473185, ClinGen allele CA350542688.